The following is an entry in ClinVar:

NM_006623.4(PHGDH):c.166_167delinsT (p.Ala56fs)

Gene: PHGDH (phosphoglycerate dehydrogenase; plus strand). Cytogenetic location: 1p12.
Variant type: Indel.
Coding change: c.166_167delinsT on transcript NM_006623.4 (MANE Select); coding-DNA positions 166 to 167, GC replaced by T.
Protein change: p.Ala56fs; shifts the reading frame from alanine 56.
Molecular consequence: frameshift variant.
Genome position (GRCh38, 1-based): chr1:119,721,197-119,721,198, GC replaced by T. VCF-style: chr1-119721197-GC-T. GRCh37 (hg19) VCF-style: chr1-120263820-GC-T.
Other names: short protein forms A56fs.
Identifiers: ClinVar variation 4815521 (VCV004815521.1).

ClinVar aggregate classification (germline): Likely pathogenic (1 of 4 stars; one submission).

Conditions:
PHGDH deficiency. Identifiers: Orphanet 79351, MedGen C1866174, MONDO:0011152, OMIM 601815.

Submission:

Natera, Inc.
Classification: Likely pathogenic for Phosphoglycerate dehydrogenase deficiency. Last evaluated: 2024-12-13. Review status: criteria provided, single submitter. Criteria: Natera Variant Classification Schema (03/2026). Collection method: clinical testing. Allele origin: germline.
Comment: The c.166_167delGCinsT variant in PHGDH is a frameshift variant predicted to shift the reading frame beginning at codon 56 and leads to a stop codon 4 codons downstream. This variant is expected to result in nonsense mediated decay, truncation, or a dysfunctional protein product. This variant is rare in the general population with a frequency below the threshold expected for the associated phenotype(s). Given the available evidence, this variant is classified as Likely Pathogenic.